The following is an entry in ClinVar:

ClinVar aggregate classification (germline): Uncertain significance (1 of 4 stars; one submission).

Conditions:
Cardiovascular phenotype. Identifiers: MedGen CN230736.

Allele frequency attached by ClinVar (database versions not stated): ExAC 0.00002; gnomAD exomes 0.00004; TOPMed 0.00005; gnomAD 0.00011; 1000 Genomes Project 30x 0.00031; 1000 Genomes Project 0.00040.
gnomAD v4.1: 71 of 1,613,790 alleles (0.0044%); highest among the groups gnomAD compares: East Asian, 0.08%; no homozygotes.

Submission:

Ambry Genetics
Classification: Uncertain significance for Cardiovascular phenotype. Last evaluated: 2024-06-23. Review status: criteria provided, single submitter. Criteria: Ambry Variant Classification Scheme 2023. Collection method: clinical testing. Allele origin: germline.
Comment: The p.R996Q variant (also known as c.2987G>A), located in coding exon 13 of the MYPN gene, results from a G to A substitution at nucleotide position 2987. The arginine at codon 996 is replaced by glutamine, an amino acid with highly similar properties. This amino acid position is highly conserved in available vertebrate species. In addition, the in silico prediction for this alteration is inconclusive. Since supporting evidence is limited at this time, the clinical significance of this alteration remains unclear.

NM_032578.4(MYPN):c.2987G>A (p.Arg996Gln)

Gene: MYPN (myopalladin; plus strand). Cytogenetic location: 10q21.3.
Variant type: single nucleotide variant.
Coding change: c.2987G>A on transcript NM_032578.4 (MANE Select); coding-DNA position 2987, G replaced by A.
Protein change: p.Arg996Gln; replaces arginine 996 with glutamine.
Molecular consequence: missense variant. On other transcripts: non-coding transcript variant (2).
Genome position (GRCh38, 1-based): chr10:68,194,424, G>A. VCF-style: chr10-68194424-G-A. GRCh37 (hg19) VCF-style: chr10-69954181-G-A.
Other names: c.2987G>A, p.Arg996Gln (NM_001256267.2); c.2105G>A, p.Arg702Gln (NM_001256268.2); short protein forms R996Q, R702Q.
Identifiers: ClinVar variation 1798458 (VCV001798458.3), dbSNP rs117187118, ClinGen allele CA5522916.